The following is an entry in ClinVar:

NM_001040108.2(MLH3):c.820A>G (p.Lys274Glu)

Gene: MLH3 (mutL homolog 3; minus strand). Cytogenetic location: 14q24.3.
Variant type: single nucleotide variant.
Coding change: c.820A>G on transcript NM_001040108.2 (MANE Select); coding-DNA position 820, A replaced by G.
Protein change: p.Lys274Glu; replaces lysine 274 with glutamic acid.
Molecular consequence: missense variant.
Genome position (GRCh38, 1-based): chr14:75,048,836, T>C on the plus strand (A>G on the coding strand, the complement: MLH3 is on the minus strand). VCF-style: chr14-75048836-T-C. GRCh37 (hg19) VCF-style: chr14-75515539-T-C.
Other names: c.820A>G, p.Lys274Glu (NM_014381.3); short protein forms K274E.
Identifiers: ClinVar variation 1404235 (VCV001404235.11), dbSNP rs1892456852, ClinGen allele CA390448970.

ClinVar aggregate classification (germline): Uncertain significance. Review status: criteria provided, multiple submitters, no conflicts (2 of 4 stars). 2 submissions from 2 submitters: Uncertain significance (2). Last evaluated 2024-10-31.

Conditions:
Colorectal cancer, hereditary nonpolyposis, type 7. Identifiers: Orphanet 144, MedGen C1858380, MONDO:0013725, OMIM 614385.

Allele frequency attached by ClinVar (database versions not stated): TOPMed 0.00001; gnomAD 0.00001.
gnomAD v4.1: 2 of 1,614,048 alleles (0.00012%); highest among the groups gnomAD compares: Admixed American, 0.0017%; no homozygotes.

Submissions (2):

Ambry Genetics
Classification: Uncertain significance. Last evaluated: 2024-10-31. Review status: criteria provided, single submitter. Criteria: Ambry Variant Classification Scheme 2023. Collection method: clinical testing. Allele origin: germline.
Comment: The p.K274E variant (also known as c.820A>G), located in coding exon 1 of the MLH3 gene, results from an A to G substitution at nucleotide position 820. The lysine at codon 274 is replaced by glutamic acid, an amino acid with similar properties. This amino acid position is well conserved in available vertebrate species. In addition, the in silico prediction for this alteration is inconclusive. The evidence for this gene-disease relationship is limited; therefore, the clinical significance of this alteration is unclear.

Labcorp Genetics (formerly Invitae), Labcorp
Classification: Uncertain significance for Colorectal cancer, hereditary nonpolyposis, type 7. Last evaluated: 2024-07-03. Review status: criteria provided, single submitter. Criteria: Invitae Variant Classification Sherloc (09022015). Collection method: clinical testing. Allele origin: germline.
Comment: This sequence change replaces lysine, which is basic and polar, with glutamic acid, which is acidic and polar, at codon 274 of the MLH3 protein (p.Lys274Glu). This variant is not present in population databases (gnomAD no frequency). This variant has not been reported in the literature in individuals affected with MLH3-related conditions. ClinVar contains an entry for this variant (Variation ID: 1404235). An algorithm developed to predict the effect of missense changes on protein structure and function (PolyPhen-2) suggests that this variant is likely to be tolerated. In summary, the available evidence is currently insufficient to determine the role of this variant in disease. Therefore, it has been classified as a Variant of Uncertain Significance.